The following is an entry in ClinVar:

ClinVar aggregate classification (germline): Uncertain significance (1 of 4 stars; one submission).

Submission:

GeneDx
Classification: Uncertain significance. Last evaluated: 2026-01-21. Review status: criteria provided, single submitter. Criteria: GeneDx Variant Classification Process June 2021. Collection method: clinical testing. Allele origin: germline.
Comment: Not observed at significant frequency in large population cohorts (gnomAD); In silico analysis supports that this missense variant has a deleterious effect on protein structure/function; Has not been previously published as pathogenic or benign to our knowledge

NM_004977.3(KCNC3):c.894C>G (p.Phe298Leu)

Gene: KCNC3 (potassium voltage-gated channel subfamily C member 3; minus strand). Cytogenetic location: 19q13.33.
Variant type: single nucleotide variant.
Coding change: c.894C>G on transcript NM_004977.3 (MANE Select); coding-DNA position 894, C replaced by G.
Protein change: p.Phe298Leu; replaces phenylalanine 298 with leucine.
Molecular consequence: missense variant.
Genome position (GRCh38, 1-based): chr19:50,324,059, G>C on the plus strand (C>G on the coding strand, the complement: KCNC3 is on the minus strand). VCF-style: chr19-50324059-G-C. GRCh37 (hg19) VCF-style: chr19-50827316-G-C.
Other names: c.666C>G, p.Phe222Leu (NM_001372305.1); short protein forms F222L, F298L.
Identifiers: ClinVar variation 4975441 (VCV004975441.1).